The following is an entry in ClinVar:

NM_004145.4(MYO9B):c.5822T>C (p.Ile1941Thr)

Gene: MYO9B (myosin IXB; plus strand). Cytogenetic location: 19p13.11.
Variant type: single nucleotide variant.
Coding change: c.5822T>C on transcript NM_004145.4 (MANE Select); coding-DNA position 5822, T replaced by C.
Protein change: p.Ile1941Thr; replaces isoleucine 1941 with threonine.
Molecular consequence: missense variant.
Genome position (GRCh38, 1-based): chr19:17,210,740, T>C. VCF-style: chr19-17210740-T-C. GRCh37 (hg19) VCF-style: chr19-17321549-T-C.
Other names: c.5822T>C, p.Ile1941Thr (NM_001130065.2); c.5822T>C (NM_001130065.1); short protein forms I1941T.
Identifiers: ClinVar variation 4555315 (VCV004555315.2).

ClinVar aggregate classification (germline): Uncertain significance. Review status: criteria provided, multiple submitters, no conflicts (2 of 4 stars). 2 submissions from 2 submitters: Uncertain significance (2). Last evaluated 2025-11-10.

Conditions:
MYO9B-related disorder. Also called: MYO9B-related condition.

gnomAD v4.1: 1 of 1,559,206 alleles (0.000064%); highest among the groups gnomAD compares: Non-Finnish European, 0.000087%; no homozygotes.

Submissions (2):

PreventionGenetics, part of Exact Sciences
Classification: Uncertain significance for MYO9B-related condition. Last evaluated: 2025-11-10. Review status: criteria provided, single submitter. Criteria: ACMG Guidelines, 2015. Collection method: clinical testing. Allele origin: germline.
Comment: The MYO9B c.5822T>C variant is predicted to result in the amino acid substitution p.Ile1941Thr. To our knowledge, this variant has not been reported in the literature or in a large population database (gnomAD), indicating this variant is rare. At this time, the clinical significance of this variant is uncertain due to the absence of conclusive functional and genetic evidence.

Ambry Genetics
Classification: Uncertain significance. Last evaluated: 2025-11-03. Review status: criteria provided, single submitter. Criteria: Ambry Variant Classification Scheme 2023. Collection method: clinical testing. Allele origin: germline.